The following is an entry in ClinVar:

NM_021224.6(ZNF462):c.2679C>T (p.Ile893=)

Gene: ZNF462 (zinc finger protein 462; plus strand). Cytogenetic location: 9q31.2.
Variant type: single nucleotide variant.
Coding change: c.2679C>T on transcript NM_021224.6 (MANE Select); coding-DNA position 2679, C replaced by T.
Protein change: p.Ile893=; no amino-acid change (isoleucine 893 retained).
Molecular consequence: synonymous variant.
Genome position (GRCh38, 1-based): chr9:106,926,591, C>T. VCF-style: chr9-106926591-C-T. GRCh37 (hg19) VCF-style: chr9-109688872-C-T.
Other names: c.2679C>T, p.Ile893= (NM_001347997.2).
Identifiers: ClinVar variation 3051505 (VCV003051505.10), dbSNP rs148630011, ClinGen allele CA5171521.

ClinVar aggregate classification (germline): Likely benign. Review status: criteria provided, single submitter (1 of 4 stars). 2 submissions from 2 submitters: Likely benign (1). 1 of the submissions does not count toward it. Last evaluated 2025-08-01.

Conditions:
ZNF462-related disorder. Also called: ZNF462-related condition; ZNF462 related disease.

Allele frequency attached by ClinVar (database versions not stated): ExAC 0.00068; gnomAD 0.00068; ESP Exome Variant Server 0.00069; gnomAD exomes 0.00102.
gnomAD v4.1: 1,557 of 1,614,014 alleles (0.096%); highest among the groups gnomAD compares: Non-Finnish European, 0.12%; 4 homozygotes.

Submissions (2):

CeGaT Center for Human Genetics Tuebingen
Classification: Likely benign. Last evaluated: 2025-08-01. Review status: criteria provided, single submitter. Criteria: CeGaT Center For Human Genetics Tuebingen Variant Classification Criteria Version 2. Collection method: clinical testing. Allele origin: germline. Affected: yes. Observed: 1 variant allele.
Comment: ZNF462: BP4, BP7

PreventionGenetics, part of Exact Sciences
Classification: Likely benign for ZNF462-related condition. Last evaluated: 2022-05-16. Review status: no assertion criteria provided. Collection method: clinical testing. Allele origin: germline. Not counted in ClinVar's aggregate classification.
Comment: This variant is classified as likely benign based on ACMG/AMP sequence variant interpretation guidelines (Richards et al. 2015 PMID: 25741868, with internal and published modifications).